The following is an entry in ClinVar:

NM_032888.4(COL27A1):c.2673G>A (p.Leu891=)

Gene: COL27A1 (collagen type XXVII alpha 1 chain; plus strand). Cytogenetic location: 9q32.
Variant type: single nucleotide variant.
Coding change: c.2673G>A on transcript NM_032888.4 (MANE Select); coding-DNA position 2673, G replaced by A.
Protein change: p.Leu891=; no amino-acid change (leucine 891 retained).
Molecular consequence: synonymous variant.
Genome position (GRCh38, 1-based): chr9:114,237,034, G>A. VCF-style: chr9-114237034-G-A. GRCh37 (hg19) VCF-style: chr9-116999314-G-A.
Identifiers: ClinVar variation 3389176 (VCV003389176.14).
Genomic context (GRCh38, chr9:114,237,034, plus strand): 5'-CTTCCAGGGGAGCCAGGGGTTGCCAGGGTTCCCCGGTGCACGGGGGAAGCCAGGGCCTCT[G>A]GTAAGTACCTGCTCCTCCAGCACCCCCAAACCTCACACTCTCCAACTGATCGTGTAATGT-3'
Protein context (NP_116277.2, residues 881-901): FPGARGKPGP[Leu891=]GKVGDKGSIG

ClinVar aggregate classification (germline): Uncertain significance (1 of 4 stars; one submission).

Submission:

CeGaT Center for Human Genetics Tuebingen
Classification: Uncertain significance. Last evaluated: 2024-11-01. Review status: criteria provided, single submitter. Criteria: CeGaT Center For Human Genetics Tuebingen Variant Classification Criteria Version 2. Collection method: clinical testing. Allele origin: germline. Affected: yes. Observed: 1 variant allele.
Comment: COL27A1: PM2